The following is an entry in ClinVar:

ClinVar aggregate classification (germline): Uncertain significance (1 of 4 stars; one submission).

Submission:

CeGaT Center for Human Genetics Tuebingen
Classification: Uncertain significance. Last evaluated: 2026-04-01. Review status: criteria provided, single submitter. Criteria: CeGaT Center For Human Genetics Tuebingen Variant Classification Criteria Version 2. Collection method: clinical testing. Allele origin: germline. Affected: yes. Observed: 1 variant allele.
Comment: ATXN10: PM2, PS2:Supporting

NM_013236.4(ATXN10):c.134C>T (p.Thr45Ile)

Gene: ATXN10 (ataxin 10; plus strand). Cytogenetic location: 22q13.31.
Variant type: single nucleotide variant.
Coding change: c.134C>T on transcript NM_013236.4 (MANE Select); coding-DNA position 134, C replaced by T.
Protein change: p.Thr45Ile; replaces threonine 45 with isoleucine.
Molecular consequence: missense variant. On other transcripts: intron variant (1).
Genome position (GRCh38, 1-based): chr22:45,689,729, C>T. VCF-style: chr22-45689729-C-T. GRCh37 (hg19) VCF-style: chr22-46085609-C-T.
Other names: c.117-3267C>T (NM_001167621.2); short protein forms T45I.
Identifiers: ClinVar variation 4874647 (VCV004874647.2).
Genomic context (GRCh38, chr22:45,689,729, plus strand): 5'-TAATCTTTTTTTTCTGATTCGTGATAATTTTATCCTTTTTCAGAGAAACAGCACCCAGGA[C>T]TATCTTCCAAAGAGTTCTGGATATCCTAAAGAAATCTTCTCATGCTGTTGAGCTTGCCTG-3'
Protein context (NP_037368.1, residues 35-55): EQRNRETAPR[Thr45Ile]IFQRVLDILK